The following is an entry in ClinVar:

NM_000124.4(ERCC6):c.1445T>G (p.Leu482Arg)

Gene: ERCC6 (ERCC excision repair 6, chromatin remodeling factor; minus strand). Cytogenetic location: 10q11.23.
Variant type: single nucleotide variant.
Coding change: c.1445T>G on transcript NM_000124.4 (MANE Select); coding-DNA position 1445, T replaced by G.
Protein change: p.Leu482Arg; replaces leucine 482 with arginine.
Molecular consequence: missense variant.
Genome position (GRCh38, 1-based): chr10:49,505,965, A>C on the plus strand (T>G on the coding strand, the complement: ERCC6 is on the minus strand). VCF-style: chr10-49505965-A-C. GRCh37 (hg19) VCF-style: chr10-50714011-A-C.
Other names: c.1445T>G (NM_000124.3); c.1445T>G, p.Leu482Arg (NM_001346440.2); short protein forms L482R.
Identifiers: ClinVar variation 1979612 (VCV001979612.5), dbSNP rs748921820, ClinGen allele CA5495968.

ClinVar aggregate classification (germline): Uncertain significance. Review status: criteria provided, multiple submitters, no conflicts (2 of 4 stars). 3 submissions from 3 submitters: Uncertain significance (3). Last evaluated 2024-12-07.

Conditions:
Inborn genetic diseases. Identifiers: MedGen C0950123, MeSH D030342.

Allele frequency attached by ClinVar (database versions not stated): gnomAD 0.00009; TOPMed 0.00014; ExAC 0.00016; gnomAD exomes 0.00016.
gnomAD v4.1: 243 of 1,613,398 alleles (0.015%); highest among the groups gnomAD compares: Non-Finnish European, 0.019%; no homozygotes.

Submissions (3):

Ambry Genetics
Classification: Uncertain significance for Inborn genetic diseases. Last evaluated: 2024-12-07. Review status: criteria provided, single submitter. Criteria: Ambry Variant Classification Scheme 2023. Collection method: clinical testing. Allele origin: germline.

Labcorp Genetics (formerly Invitae), Labcorp
Classification: Uncertain significance. Last evaluated: 2022-08-22. Review status: criteria provided, single submitter. Criteria: Invitae Variant Classification Sherloc (09022015). Collection method: clinical testing. Allele origin: germline.
Comment: This sequence change replaces leucine, which is neutral and non-polar, with arginine, which is basic and polar, at codon 482 of the ERCC6 protein (p.Leu482Arg). This variant is present in population databases (rs748921820, gnomAD 0.02%). This variant has not been reported in the literature in individuals affected with ERCC6-related conditions. Algorithms developed to predict the effect of missense changes on protein structure and function output the following: SIFT: "Deleterious"; PolyPhen-2: "Benign"; Align-GVGD: "Class C65". The arginine amino acid residue is found in multiple mammalian species, which suggests that this missense change does not adversely affect protein function. In summary, the available evidence is currently insufficient to determine the role of this variant in disease. Therefore, it has been classified as a Variant of Uncertain Significance.

Revvity Omics, Revvity
Classification: Uncertain significance. Last evaluated: 2020-12-21. Review status: criteria provided, single submitter. Criteria: ACMG Guidelines, 2015. Collection method: clinical testing. Allele origin: germline.